The following continues an entry in ClinVar:

NM_001267550.2(TTN):c.30426C>T (p.Asp10142=)

Gene: TTN. ClinVar aggregate classification (germline): Benign/Likely benign. Benign (16); Likely benign (6).

Submissions 18 to 26 of 26:

Genetic Services Laboratory, University of Chicago
Classification: Benign. Last evaluated: 2015-02-10. Review status: criteria provided, single submitter. Criteria: ACMG Guidelines, 2015. Collection method: clinical testing. Allele origin: germline.

Eurofins Ntd Llc (ga)
Classification: Benign. Last evaluated: 2014-09-11. Review status: criteria provided, single submitter. Criteria: EGL Classification Definitions 2015. Collection method: clinical testing. Allele origin: germline. Observed: 1 variant allele, 1 heterozygote.

GeneDx
Classification: Benign. Last evaluated: 2014-04-07. Review status: criteria provided, single submitter. Criteria: GeneDx Variant Classification (06012015). Collection method: clinical testing. Allele origin: germline. Affected: yes.
Comment: This variant is considered likely benign or benign based on one or more of the following criteria: it is a conservative change, it occurs at a poorly conserved position in the protein, it is predicted to be benign by multiple in silico algorithms, and/or has population frequency not consistent with disease.

Laboratory for Molecular Medicine, Mass General Brigham Personalized Medicine
Classification: Benign. Last evaluated: 2012-04-11. Review status: criteria provided, single submitter. Criteria: LMM Criteria. Collection method: clinical testing. Allele origin: germline. Observed: 13 variant alleles.
Comment: Asp8898Asp in exon 104 of TTN: This variant is not expected to have clinical sig nificance because it does not alter an amino acid residue and has been identifie d in 1.1% (34/3140) of African American chromosomes from a broad population by t he NHLBI Exome Sequencing Project (dbSNP rs147 524531).

Breakthrough Genomics
Classification: Likely benign. Review status: criteria provided, single submitter. Criteria: ACMG Guidelines, 2015. Collection method: not provided. Allele origin: germline. Inheritance: Autosomal recessive inheritance. Affected: yes.

PreventionGenetics, part of Exact Sciences
Classification: Benign for TTN-related condition. Last evaluated: 2019-05-22. Review status: no assertion criteria provided. Collection method: clinical testing. Allele origin: germline. Not counted in ClinVar's aggregate classification.
Comment: This variant is classified as benign based on ACMG/AMP sequence variant interpretation guidelines (Richards et al. 2015 PMID: 25741868, with internal and published modifications).

Clinical Genetics DNA and cytogenetics Diagnostics Lab, Erasmus MC, Erasmus Medical Center
Classification: Benign. Review status: no assertion criteria provided. Collection method: clinical testing. Allele origin: germline. Affected: yes. Study: VKGL Data-share Consensus. Not counted in ClinVar's aggregate classification.

Clinical Genetics, Academic Medical Center
Classification: Benign. Review status: no assertion criteria provided. Collection method: clinical testing. Allele origin: germline. Affected: yes. Study: VKGL Data-share Consensus. Not counted in ClinVar's aggregate classification.

Laboratory of Diagnostic Genome Analysis, Leiden University Medical Center (LUMC)
Classification: Likely benign. Review status: no assertion criteria provided. Collection method: clinical testing. Allele origin: germline. Affected: yes. Study: VKGL Data-share Consensus. Not counted in ClinVar's aggregate classification.